The following is an entry in ClinVar:

ClinVar aggregate classification (germline): Pathogenic (1 of 4 stars; one submission).

Conditions:
Ataxia-telangiectasia syndrome (AT). Also called: Ataxia-telangiectasia, complementation group D; AT, COMPLEMENTATION GROUP C; Ataxia-telangiectasia, complementation group E; Cerebello-oculocutaneous telangiectasia; Immunodeficiency with ataxia telangiectasia; ATAXIA-TELANGIECTASIA, COMPLEMENTATION GROUP A. Identifiers: Orphanet 100, MedGen C0004135, MONDO:0008840, OMIM 208900.

Submission:

Labcorp Genetics (formerly Invitae), Labcorp
Classification: Pathogenic for Ataxia-telangiectasia syndrome. Last evaluated: 2023-06-20. Review status: criteria provided, single submitter. Criteria: Invitae Variant Classification Sherloc (09022015). Collection method: clinical testing. Allele origin: germline.
Comment: This variant is not present in population databases (gnomAD no frequency). This variant has not been reported in the literature in individuals affected with ATM-related conditions. ClinVar contains an entry for this variant (Variation ID: 582129). For these reasons, this variant has been classified as Pathogenic. This sequence change creates a premature translational stop signal (p.Leu1351*) in the ATM gene. It is expected to result in an absent or disrupted protein product. Loss-of-function variants in ATM are known to be pathogenic (PMID: 23807571, 25614872).

Literature cited by the submitters: PubMed 23807571; PubMed 25614872.

NM_000051.4(ATM):c.4052T>A (p.Leu1351Ter)

Gene: ATM (ATM serine/threonine kinase; plus strand). Cytogenetic location: 11q22.3.
Variant type: single nucleotide variant.
Coding change: c.4052T>A on transcript NM_000051.4 (MANE Select); coding-DNA position 4052, T replaced by A.
Protein change: p.Leu1351Ter; replaces leucine 1351 with a stop codon.
Molecular consequence: nonsense.
Genome position (GRCh38, 1-based): chr11:108,287,658, T>A. VCF-style: chr11-108287658-T-A. GRCh37 (hg19) VCF-style: chr11-108158385-T-A.
Other names: c.4052T>A, p.Leu1351Ter (NM_001351834.2); short protein forms L1351*.
Identifiers: ClinVar variation 582129 (VCV000582129.6), dbSNP rs1565452687, ClinGen allele CA382527930.